The following is an entry in ClinVar:

ClinVar aggregate classification (germline): Uncertain significance (1 of 4 stars; one submission).

Allele frequency attached by ClinVar (database versions not stated): gnomAD exomes below 0.00001.
gnomAD v4.1: 2 of 1,613,656 alleles (0.00012%); highest among the groups gnomAD compares: Non-Finnish European, 0.00017%; no homozygotes.

Submission:

Labcorp Genetics (formerly Invitae), Labcorp
Classification: Uncertain significance. Last evaluated: 2022-05-15. Review status: criteria provided, single submitter. Criteria: Invitae Variant Classification Sherloc (09022015). Collection method: clinical testing. Allele origin: germline.
Comment: In summary, the available evidence is currently insufficient to determine the role of this variant in disease. Therefore, it has been classified as a Variant of Uncertain Significance. Algorithms developed to predict the effect of missense changes on protein structure and function output the following: SIFT: "Tolerated"; PolyPhen-2: "Benign"; Align-GVGD: "Class C0". The valine amino acid residue is found in multiple mammalian species, which suggests that this missense change does not adversely affect protein function. ClinVar contains an entry for this variant (Variation ID: 1026352). This variant has not been reported in the literature in individuals affected with RP1-related conditions. This variant is not present in population databases (gnomAD no frequency). This sequence change replaces isoleucine, which is neutral and non-polar, with valine, which is neutral and non-polar, at codon 2117 of the RP1 protein (p.Ile2117Val).

NM_006269.2(RP1):c.6349A>G (p.Ile2117Val)

Gene: RP1 (RP1 axonemal microtubule associated; plus strand). Cytogenetic location: 8q12.1.
Variant type: single nucleotide variant.
Coding change: c.6349A>G on transcript NM_006269.2 (MANE Select); coding-DNA position 6349, A replaced by G.
Protein change: p.Ile2117Val; replaces isoleucine 2117 with valine.
Molecular consequence: missense variant. On other transcripts: intron variant (1).
Genome position (GRCh38, 1-based): chr8:54,630,231, A>G. VCF-style: chr8-54630231-A-G. GRCh37 (hg19) VCF-style: chr8-55542791-A-G.
Other names: c.787+7943A>G (NM_001375654.1); short protein forms I2117V.
Identifiers: ClinVar variation 1026352 (VCV001026352.10), dbSNP rs1806216538, ClinGen allele CA370991874.
Genomic context (GRCh38, chr8:54,630,231, plus strand): 5'-TTTGAAATGCTTGGTCAAGCTTGCCTCTTAGATATTTGCCAAGTTGAGACCTCCTTAAAT[A>G]TTAGCAACAGAAATATTTTAGAACTTTGTATGTTTGAGGGTGAAAATCTTTTCATTTGGG-3'
Protein context (NP_006260.1, residues 2107-2127): DICQVETSLN[Ile2117Val]SNRNILELCM